The following is an entry in ClinVar:

NM_033380.3(COL4A5):c.4528+1754T>G

Gene: COL4A5 (collagen type IV alpha 5 chain; plus strand). Cytogenetic location: Xq22.3.
Variant type: single nucleotide variant.
Coding change: c.4528+1754T>G on transcript NM_033380.3 (MANE Select); 1754 bases into the intron after coding-DNA position 4528, T replaced by G.
Molecular consequence: intron variant.
Genome position (GRCh38, 1-based): chrX:108,689,448, T>G. VCF-style: chrX-108689448-T-G. GRCh37 (hg19) VCF-style: chrX-107932678-T-G.
Other names: c.4510+1754T>G (NM_000495.5).
Identifiers: ClinVar variation 4534695 (VCV004534695.6).

ClinVar aggregate classification (germline): Pathogenic (1 of 4 stars; one submission).

Submission:

CeGaT Center for Human Genetics Tuebingen
Classification: Pathogenic. Last evaluated: 2025-10-01. Review status: criteria provided, single submitter. Criteria: CeGaT Center For Human Genetics Tuebingen Variant Classification Criteria Version 2. Collection method: clinical testing. Allele origin: germline. Affected: yes. Observed: 1 variant allele.
Comment: COL4A5: PVS1, PM2, PS4:Moderate, PP4